The following is an entry in ClinVar:

NM_000059.4(BRCA2):c.9766_9769del (p.Glu3256fs)

Gene: BRCA2 (BRCA2 DNA repair associated; plus strand). Cytogenetic location: 13q13.1.
Variant type: Deletion.
Coding change: c.9766_9769del on transcript NM_000059.4 (MANE Select); coding-DNA positions 9766 to 9769, 4 bases deleted (GAGA; older notation c.9766_9769delGAGA).
Protein change: p.Glu3256fs; shifts the reading frame from glutamic acid 3256.
Molecular consequence: frameshift variant. On other transcripts: non-coding transcript variant (1).
Genome position (GRCh38, 1-based): chr13:32,398,279-32,398,282, GAGA deleted. VCF-style (leftmost placement, unchanged base first): chr13-32398278-GGAGA-G. GRCh37 (hg19) VCF-style: chr13-32972415-GGAGA-G.
Other names: c.9670_9673del, p.Glu3224fs (NM_001406719.1); c.9715_9718del, p.Glu3239fs (NM_001406720.1); c.4834_4837del, p.Glu1612fs (NM_001406721.1); c.3349_3352del, p.Glu1117fs (NM_001406722.1); short protein forms E1117fs, E1612fs, E3224fs, E3239fs, E3256fs.
Identifiers: ClinVar variation 3230219 (VCV003230219.1), dbSNP rs2548564800, ClinGen allele CA2825002174.

ClinVar aggregate classification (germline): Pathogenic (1 of 4 stars; one submission).

Conditions:
Hereditary cancer-predisposing syndrome. Also called: Neoplastic Syndromes, Hereditary; Tumor predisposition; Hereditary neoplastic syndrome; Hereditary Cancer Syndrome. Identifiers: Orphanet 140162, MedGen C0027672, MeSH D009386, MONDO:0015356.

Submission:

Ambry Genetics
Classification: Pathogenic for Hereditary cancer-predisposing syndrome. Last evaluated: 2023-12-14. Review status: criteria provided, single submitter. Criteria: Ambry Variant Classification Scheme 2023. Collection method: clinical testing. Allele origin: germline.
Comment: The c.9766_9769delGAGA pathogenic mutation, located in coding exon 26 of the BRCA2 gene, results from a deletion of 4 nucleotides at nucleotide positions 9766 to 9769, causing a translational frameshift with a predicted alternate stop codon (p.E3256Kfs*18). This alteration occurs at the 3' terminus of theBRCA2 gene, is not expected to trigger nonsense-mediated mRNA decay, and impacts the last 163 amino acids of the protein. However, premature stop codons are typically deleterious in nature and the impacted region is critical for protein function (Ambry internal data). Based on the supporting evidence, this alteration is interpreted as a disease-causing mutation.